The following is an entry in ClinVar:

NM_006939.4(SOS2):c.1468G>A (p.Glu490Lys)

Gene: SOS2 (SOS Ras/Rho guanine nucleotide exchange factor 2; minus strand). Cytogenetic location: 14q21.3.
Variant type: single nucleotide variant.
Coding change: c.1468G>A on transcript NM_006939.4 (MANE Select); coding-DNA position 1468, G replaced by A.
Protein change: p.Glu490Lys; replaces glutamic acid 490 with lysine.
Molecular consequence: missense variant.
Genome position (GRCh38, 1-based): chr14:50,159,815, C>T on the plus strand (G>A on the coding strand, the complement: SOS2 is on the minus strand). VCF-style: chr14-50159815-C-T. GRCh37 (hg19) VCF-style: chr14-50626533-C-T.
Other names: c.1369G>A, p.Glu457Lys (NM_001411020.1); short protein forms E457K, E490K.
Identifiers: ClinVar variation 3901453 (VCV003901453.1).

ClinVar aggregate classification (germline): Uncertain significance (1 of 4 stars; one submission).

Submission:

GeneDx
Classification: Uncertain significance. Last evaluated: 2024-12-09. Review status: criteria provided, single submitter. Criteria: GeneDx Variant Classification Process June 2021. Collection method: clinical testing. Allele origin: germline. Affected: yes.
Comment: Not observed at significant frequency in large population cohorts (gnomAD); In silico analysis supports that this missense variant has a deleterious effect on protein structure/function; Has not been previously published as pathogenic or benign to our knowledge